The following is an entry in ClinVar:

NM_000276.4(OCRL):c.2680T>G (p.Phe894Val)

Gene: OCRL (OCRL inositol polyphosphate-5-phosphatase; plus strand). Cytogenetic location: Xq26.1.
Variant type: single nucleotide variant.
Coding change: c.2680T>G on transcript NM_000276.4 (MANE Select); coding-DNA position 2680, T replaced by G.
Protein change: p.Phe894Val; replaces phenylalanine 894 with valine.
Molecular consequence: missense variant.
Genome position (GRCh38, 1-based): chrX:129,590,244, T>G. VCF-style: chrX-129590244-T-G. GRCh37 (hg19) VCF-style: chrX-128724221-T-G.
Other names: c.2683T>G, p.Phe895Val (NM_001318784.2); c.2656T>G, p.Phe886Val (NM_001587.4); short protein forms F886V, F894V, F895V.
Identifiers: ClinVar variation 2637577 (VCV002637577.1), dbSNP rs147629352, ClinGen allele CA414633589.

ClinVar aggregate classification (germline): Uncertain significance (1 of 4 stars; one submission).

Submission:

Women's Health and Genetics/Laboratory Corporation of America, LabCorp
Classification: Uncertain significance. Last evaluated: 2023-10-31. Review status: criteria provided, single submitter. Criteria: LabCorp Variant Classification Summary - May 2015. Collection method: clinical testing. Allele origin: germline.
Comment: Variant summary: OCRL c.2680T>G (p.Phe894Val) results in a non-conservative amino acid change located in the Rho GTPase-activating protein domain (IPR000198) of the encoded protein sequence. Five of five in-silico tools predict a damaging effect of the variant on protein function. The variant was absent in 183424 control chromosomes. The available data on variant occurrences in the general population are insufficient to allow any conclusion about variant significance. To our knowledge, no occurrence of c.2680T>G in individuals affected with Dent Disease and no experimental evidence demonstrating its impact on protein function have been reported. No submitters have cited clinical-significance assessments for this variant to ClinVar after 2014. Based on the evidence outlined above, the variant was classified as uncertain significance.